The following is an entry in ClinVar:

ClinVar aggregate classification (germline): Uncertain significance (1 of 4 stars; one submission).

Conditions:
Naxos disease (NXD). Also called: PALMOPLANTAR KERATODERMA WITH ARRHYTHMOGENIC RIGHT VENTRICULAR CARDIOMYOPATHY AND WOOLLY HAIR; WOOLLY HAIR, PALMOPLANTAR KERATODERMA, AND CARDIAC ABNORMALITIES; KERATOSIS PALMOPLANTARIS WITH ARRHYTHMOGENIC CARDIOMYOPATHY; MAL DE NAXOS; CARDIOMYOPATHY, ARRHYTHMOGENIC RIGHT VENTRICULAR, WITH SKIN, HAIR, AND NAIL ABNORMALITIES. Identifiers: Orphanet 34217, MedGen C1832600, MONDO:0011017, OMIM 601214.
Arrhythmogenic right ventricular dysplasia 12. Also called: ARRHYTHMOGENIC RIGHT VENTRICULAR DYSPLASIA, FAMILIAL, 12. Identifiers: MedGen C1969081, MONDO:0012684, OMIM 611528.

Submission:

Labcorp Genetics (formerly Invitae), Labcorp
Classification: Uncertain significance for Arrhythmogenic right ventricular dysplasia 12; Naxos disease. Last evaluated: 2022-10-17. Review status: criteria provided, single submitter. Criteria: Invitae Variant Classification Sherloc (09022015). Collection method: clinical testing. Allele origin: germline.
Comment: This variant is not present in population databases (gnomAD no frequency). This sequence change replaces asparagine, which is neutral and polar, with isoleucine, which is neutral and non-polar, at codon 167 of the JUP protein (p.Asn167Ile). This variant has not been reported in the literature in individuals affected with JUP-related conditions. In summary, the available evidence is currently insufficient to determine the role of this variant in disease. Therefore, it has been classified as a Variant of Uncertain Significance. Algorithms developed to predict the effect of missense changes on protein structure and function are either unavailable or do not agree on the potential impact of this missense change (SIFT: "Tolerated"; PolyPhen-2: "Probably Damaging"; Align-GVGD: "Class C0"). ClinVar contains an entry for this variant (Variation ID: 1483888).

NM_002230.4(JUP):c.500A>T (p.Asn167Ile)

Gene: JUP (junction plakoglobin; minus strand). Cytogenetic location: 17q21.2.
Variant type: single nucleotide variant.
Coding change: c.500A>T on transcript NM_002230.4 (MANE Select); coding-DNA position 500, A replaced by T.
Protein change: p.Asn167Ile; replaces asparagine 167 with isoleucine.
Molecular consequence: missense variant.
Genome position (GRCh38, 1-based): chr17:41,769,176, T>A on the plus strand (A>T on the coding strand, the complement: JUP is on the minus strand). VCF-style: chr17-41769176-T-A. GRCh37 (hg19) VCF-style: chr17-39925428-T-A.
Other names: c.500A>T, p.Asn167Ile (NM_001352773.2, NM_001352774.2, NM_001352775.2 and 3 more transcripts); short protein forms N167I.
Identifiers: ClinVar variation 1483888 (VCV001483888.8), dbSNP rs2143684902, ClinGen allele CA399503546.